The following is an entry in ClinVar:

NM_000092.5(COL4A4):c.201A>C (p.Pro67=)

Gene: COL4A4 (collagen type IV alpha 4 chain; minus strand). Cytogenetic location: 2q36.3.
Variant type: single nucleotide variant.
Coding change: c.201A>C on transcript NM_000092.5 (MANE Select); coding-DNA position 201, A replaced by C.
Protein change: p.Pro67=; no amino-acid change (proline 67 retained).
Molecular consequence: synonymous variant.
Genome position (GRCh38, 1-based): chr2:227,121,140, T>G on the plus strand (A>C on the coding strand, the complement: COL4A4 is on the minus strand). VCF-style: chr2-227121140-T-G. GRCh37 (hg19) VCF-style: chr2-227985856-T-G.
Identifiers: ClinVar variation 3050978 (VCV003050978.2), dbSNP rs2125038172, ClinGen allele CA431505206.

ClinVar aggregate classification (germline): Likely benign (0 of 4 stars; one submission).

Conditions:
COL4A4-related disorder.

Submission:

PreventionGenetics, part of Exact Sciences
Classification: Likely benign for COL4A4-related condition. Last evaluated: 2024-02-13. Review status: no assertion criteria provided. Collection method: clinical testing. Allele origin: germline.
Comment: This variant is classified as likely benign based on ACMG/AMP sequence variant interpretation guidelines (Richards et al. 2015 PMID: 25741868, with internal and published modifications).